The following is an entry in ClinVar:

ClinVar aggregate classification (germline): Likely pathogenic (1 of 4 stars; one submission).

Conditions:
Diastrophic dysplasia (DTD). Also called: Diastrophic dwarfism. Identifiers: Orphanet 628, MedGen C0220726, MONDO:0009107, OMIM 222600.

Submission:

Laboratory of Functional Genomics, Research Centre for Medical Genetics
Classification: Likely pathogenic for Diastrophic dysplasia. Last evaluated: 2025-11-25. Review status: criteria provided, single submitter. Criteria: ACMG Guidelines, 2015. Collection method: clinical testing, in vitro. Allele origin: germline, not applicable. Inheritance: Autosomal recessive inheritance. Affected: yes. Observed: 6 variant alleles. Clinical features observed: Osteoarthritis, hip (HP:0008843), Congenital contracture (HP:0002803), Abnormal epiphysis morphology (HP:0005930), Abnormal metaphysis morphology (HP:0000944), Ulnar deviation of finger (HP:0009465), Proximal placement of thumb (HP:0009623), Brachydactyly (HP:0001156), Clubfoot (HP:0001762), Disproportionate short-limb short stature (HP:0008873), Patellar hypoplasia (HP:0003065), Patellar dislocation (HP:0002999). Functional consequence: decreased enzyme activity.
Comment: This complex allele is not present in the gnomAD v2.1.1 database (variant co-occurrence info). It was identified in four patients in a compound heterozygous state with p.Cys653Ser (DTD phenotype) and in two patients with p.Arg279Trp (DTD and rMED/DTD phenotypes). Sulfate uptake assays performed on patient fibroblasts and on fibroblasts from a parental variant carrier revealed a significant reduction in the activity of the transmembrane transporter SLC26A2.

NM_000112.4(SLC26A2):c.[1957T>A;2012G>A]

Variant type: Haplotype.
Identifiers: ClinVar variation 4823938 (VCV004823938.1).